The following is an entry in ClinVar:

ClinVar aggregate classification (germline): Pathogenic. Review status: criteria provided, multiple submitters, no conflicts (2 of 4 stars). 2 submissions from 2 submitters: Pathogenic (2). Last evaluated 2024-08-03.

Submissions (2):

GeneDx
Classification: Pathogenic. Last evaluated: 2024-08-03. Review status: criteria provided, single submitter. Criteria: GeneDx Variant Classification Process June 2021. Collection method: clinical testing. Allele origin: germline. Affected: yes.
Comment: Canonical splice site variant predicted to result in a null allele in a gene for which loss of function is a known mechanism of disease; Not observed at significant frequency in large population cohorts (gnomAD); Also known as 79+1 G>A or IVS1+1G>A; This variant is associated with the following publications: (PMID: 12203991, 26411914, 23299470)

Labcorp Genetics (formerly Invitae), Labcorp
Classification: Pathogenic. Last evaluated: 2022-08-25. Review status: criteria provided, single submitter. Criteria: Invitae Variant Classification Sherloc (09022015). Collection method: clinical testing. Allele origin: germline.
Comment: This sequence change affects a donor splice site in intron 1 of the CHM gene. It is expected to disrupt RNA splicing. Variants that disrupt the donor or acceptor splice site typically lead to a loss of protein function (PMID: 16199547), and loss-of-function variants in CHM are known to be pathogenic (PMID: 9067750, 23811034). This variant is not present in population databases (gnomAD no frequency). Disruption of this splice site has been observed in individuals with choroideremia (PMID: 23299470, 26411914). It has also been observed to segregate with disease in related individuals. This variant is also known as IVS+1G>A or G/A splice site mutation position 79+1. Algorithms developed to predict the effect of sequence changes on RNA splicing suggest that this variant may disrupt the consensus splice site. For these reasons, this variant has been classified as Pathogenic.

Literature cited by the submitters: PubMed 16199547 (cited by Labcorp Genetics (formerly Invitae), Labcorp); PubMed 9067750 (cited by Labcorp Genetics (formerly Invitae), Labcorp); PubMed 23811034 (cited by Labcorp Genetics (formerly Invitae), Labcorp); PubMed 23299470 (cited by Labcorp Genetics (formerly Invitae), Labcorp); PubMed 26411914 (cited by Labcorp Genetics (formerly Invitae), Labcorp).

NM_000390.4(CHM):c.49+1G>A

Gene: CHM (CHM Rab escort protein; minus strand). Cytogenetic location: Xq21.2.
Variant type: single nucleotide variant.
Coding change: c.49+1G>A on transcript NM_000390.4 (MANE Select); the canonical splice donor site of the intron after coding-DNA position 49, G replaced by A.
Molecular consequence: splice donor variant.
Genome position (GRCh38, 1-based): chrX:86,047,483, C>T on the plus strand (G>A on the coding strand, the complement: CHM is on the minus strand). VCF-style: chrX-86047483-C-T. GRCh37 (hg19) VCF-style: chrX-85302487-C-T.
Other names: c.49+1G>A (NM_001145414.4).
Identifiers: ClinVar variation 2138629 (VCV002138629.5), dbSNP rs886041174, ClinGen allele CA413788629.